The following is an entry in ClinVar:

ClinVar aggregate classification (germline): Uncertain significance. Review status: criteria provided, multiple submitters, no conflicts (2 of 4 stars). 2 submissions from 2 submitters: Uncertain significance (2). Last evaluated 2025-11-18.

Conditions:
Hereditary cancer-predisposing syndrome. Also called: Neoplastic Syndromes, Hereditary; Tumor predisposition; Hereditary neoplastic syndrome; Hereditary Cancer Syndrome. Identifiers: Orphanet 140162, MedGen C0027672, MeSH D009386, MONDO:0015356.

Submissions (2):

Labcorp Genetics (formerly Invitae), Labcorp
Classification: Uncertain significance. Last evaluated: 2025-11-18. Review status: criteria provided, single submitter. Criteria: Invitae Variant Classification Sherloc (09022015). Collection method: clinical testing. Allele origin: germline.
Comment: This sequence change replaces methionine, which is neutral and non-polar, with isoleucine, which is neutral and non-polar, at codon 458 of the MSH3 protein (p.Met458Ile). This variant is not present in population databases (gnomAD no frequency). This variant has not been reported in the literature in individuals affected with MSH3-related conditions. ClinVar contains an entry for this variant (Variation ID: 837923). An algorithm developed to predict the effect of missense changes on protein structure and function (PolyPhen-2) suggests that this variant is likely to be tolerated. In summary, the available evidence is currently insufficient to determine the role of this variant in disease. Therefore, it has been classified as a Variant of Uncertain Significance.

Ambry Genetics
Classification: Uncertain significance for Hereditary cancer-predisposing syndrome. Last evaluated: 2021-04-09. Review status: criteria provided, single submitter. Criteria: Ambry Variant Classification Scheme 2023. Collection method: clinical testing. Allele origin: germline.
Comment: The p.M458I variant (also known as c.1374G>A), located in coding exon 9 of the MSH3 gene, results from a G to A substitution at nucleotide position 1374. The methionine at codon 458 is replaced by isoleucine, an amino acid with highly similar properties. This amino acid position is highly conserved in available vertebrate species. In addition, the in silico prediction for this alteration is inconclusive. Since supporting evidence is limited at this time, the clinical significance of this alteration remains unclear.

NM_002439.5(MSH3):c.1374G>A (p.Met458Ile)

Gene: MSH3 (mutS homolog 3; plus strand). Cytogenetic location: 5q14.1.
Variant type: single nucleotide variant.
Coding change: c.1374G>A on transcript NM_002439.5 (MANE Select); coding-DNA position 1374, G replaced by A.
Protein change: p.Met458Ile; replaces methionine 458 with isoleucine.
Molecular consequence: missense variant.
Genome position (GRCh38, 1-based): chr5:80,725,486, G>A. VCF-style: chr5-80725486-G-A. GRCh37 (hg19) VCF-style: chr5-80021305-G-A.
Other names: short protein forms M458I.
Identifiers: ClinVar variation 837923 (VCV000837923.13), dbSNP rs1743269812, ClinGen allele CA360273417.